The following is an entry in ClinVar:

ClinVar aggregate classification (germline): Uncertain significance. Review status: criteria provided, multiple submitters, no conflicts (2 of 4 stars). 2 submissions from 2 submitters: Uncertain significance (2). Last evaluated 2025-01-29.

Allele frequency attached by ClinVar (database versions not stated): gnomAD exomes below 0.00001.
gnomAD v4.1: 4 of 1,602,780 alleles (0.00025%); highest among the groups gnomAD compares: Non-Finnish European, 0.00034%; no homozygotes.

Submissions (2):

Ambry Genetics
Classification: Uncertain significance. Last evaluated: 2025-01-29. Review status: criteria provided, single submitter. Criteria: Ambry Variant Classification Scheme 2023. Collection method: clinical testing. Allele origin: germline.
Comment: The p.E884G variant (also known as c.2651A>G), located in coding exon 13 of the GEN1 gene, results from an A to G substitution at nucleotide position 2651. The glutamic acid at codon 884 is replaced by glycine, an amino acid with similar properties. This amino acid position is conserved. In addition, this alteration is predicted to be tolerated by in silico analysis. Based on the available evidence, the clinical significance of this variant remains unclear.

Labcorp Genetics (formerly Invitae), Labcorp
Classification: Uncertain significance. Last evaluated: 2019-12-15. Review status: criteria provided, single submitter. Criteria: Invitae Variant Classification Sherloc (09022015). Collection method: clinical testing. Allele origin: germline.
Comment: This sequence change replaces glutamic acid with glycine at codon 884 of the GEN1 protein (p.Glu884Gly). The glutamic acid residue is weakly conserved and there is a moderate physicochemical difference between glutamic acid and glycine. This variant is not present in population databases (ExAC no frequency). In summary, the available evidence is currently insufficient to determine the role of this variant in disease. Therefore, it has been classified as a Variant of Uncertain Significance. Algorithms developed to predict the effect of missense changes on protein structure and function output the following: SIFT: "Tolerated"; PolyPhen-2: "Benign"; Align-GVGD: "Class C0". The glycine amino acid residue is found in multiple mammalian species, suggesting that this missense change does not adversely affect protein function. These predictions have not been confirmed by published functional studies and their clinical significance is uncertain. This variant has not been reported in the literature in individuals with GEN1-related conditions.

NM_001130009.3(GEN1):c.2651A>G (p.Glu884Gly)

Gene: GEN1 (GEN1 structure-specific endonuclease; plus strand). Cytogenetic location: 2p24.2.
Variant type: single nucleotide variant.
Coding change: c.2651A>G on transcript NM_001130009.3 (MANE Select); coding-DNA position 2651, A replaced by G.
Protein change: p.Glu884Gly; replaces glutamic acid 884 with glycine.
Molecular consequence: missense variant.
Genome position (GRCh38, 1-based): chr2:17,781,863, A>G. VCF-style: chr2-17781863-A-G. GRCh37 (hg19) VCF-style: chr2-17963130-A-G.
Other names: c.2651A>G, p.Glu884Gly (NM_182625.5); c.2651A>G (NM_001130009.1); short protein forms E884G.
Identifiers: ClinVar variation 861227 (VCV000861227.11), dbSNP rs1672858182, ClinGen allele CA345928527.